The following is an entry in ClinVar:

ClinVar aggregate classification (germline): Uncertain significance (1 of 4 stars; one submission).

Conditions:
Inborn genetic diseases. Identifiers: MedGen C0950123, MeSH D030342.

gnomAD v4.1: 5 of 1,609,502 alleles (0.00031%); highest among the groups gnomAD compares: Admixed American, 0.0033%; no homozygotes.

Submission:

Ambry Genetics
Classification: Uncertain significance for Inborn genetic diseases. Last evaluated: 2025-04-22. Review status: criteria provided, single submitter. Criteria: Ambry Variant Classification Scheme 2023. Collection method: clinical testing. Allele origin: germline.
Comment: The p.R182C variant (also known as c.544C>T), located in coding exon 4 of the ELANE gene, results from a C to T substitution at nucleotide position 544. The arginine at codon 182 is replaced by cysteine, an amino acid with highly dissimilar properties. This amino acid position is conserved. In addition, the in silico prediction for this alteration is inconclusive. Based on the available evidence, the clinical significance of this variant remains unclear.

NM_001972.4(ELANE):c.544C>T (p.Arg182Cys)

Gene: ELANE (elastase, neutrophil expressed; plus strand). Cytogenetic location: 19p13.3.
Variant type: single nucleotide variant.
Coding change: c.544C>T on transcript NM_001972.4 (MANE Select); coding-DNA position 544, C replaced by T.
Protein change: p.Arg182Cys; replaces arginine 182 with cysteine.
Molecular consequence: missense variant.
Genome position (GRCh38, 1-based): chr19:855,741, C>T. VCF-style: chr19-855741-C-T. GRCh37 (hg19) VCF-style: chr19-855741-C-T.
Other names: short protein forms R182C.
Identifiers: ClinVar variation 4017383 (VCV004017383.1).